The following is an entry in ClinVar:

ClinVar aggregate classification (germline): Uncertain significance. Review status: criteria provided, multiple submitters, no conflicts (2 of 4 stars). 2 submissions from 2 submitters: Uncertain significance (2). Last evaluated 2022-06-21.

Conditions:
Inborn genetic diseases. Identifiers: MedGen C0950123, MeSH D030342.
Sphingolipid activator protein 1 deficiency. Also called: METACHROMATIC LEUKODYSTROPHY DUE TO CEREBROSIDE SULFATASE ACTIVATOR DEFICIENCY; Metachromatic leukodystrophy due to saposin B deficiency; Saposin B Deficiency. Identifiers: Orphanet 512, MedGen C0268262, MONDO:0009590, OMIM 249900.

Allele frequency attached by ClinVar (database versions not stated): ExAC 0.00002; TOPMed 0.00002; gnomAD 0.00003; gnomAD exomes 0.00004.
gnomAD v4.1: 58 of 1,614,066 alleles (0.0036%); highest among the groups gnomAD compares: Non-Finnish European, 0.0045%; no homozygotes.

Submissions (2):

Ambry Genetics
Classification: Uncertain significance for Inborn genetic diseases. Last evaluated: 2022-06-21. Review status: criteria provided, single submitter. Criteria: Ambry Variant Classification Scheme 2023. Collection method: clinical testing. Allele origin: germline.

Labcorp Genetics (formerly Invitae), Labcorp
Classification: Uncertain significance for Sphingolipid activator protein 1 deficiency. Last evaluated: 2022-05-04. Review status: criteria provided, single submitter. Criteria: Invitae Variant Classification Sherloc (09022015). Collection method: clinical testing. Allele origin: germline.
Comment: This sequence change replaces valine, which is neutral and non-polar, with isoleucine, which is neutral and non-polar, at codon 268 of the PSAP protein (p.Val268Ile). This variant is present in population databases (rs774017744, gnomAD 0.006%). This variant has not been reported in the literature in individuals affected with PSAP-related conditions. Algorithms developed to predict the effect of missense changes on protein structure and function are either unavailable or do not agree on the potential impact of this missense change (SIFT: "Not Available"; PolyPhen-2: "Benign"; Align-GVGD: "Not Available"). In summary, the available evidence is currently insufficient to determine the role of this variant in disease. Therefore, it has been classified as a Variant of Uncertain Significance.

NM_002778.4(PSAP):c.802G>A (p.Val268Ile)

Gene: PSAP (prosaposin; minus strand). Cytogenetic location: 10q22.1.
Variant type: single nucleotide variant.
Coding change: c.802G>A on transcript NM_002778.4 (MANE Select); coding-DNA position 802, G replaced by A.
Protein change: p.Val268Ile; replaces valine 268 with isoleucine.
Molecular consequence: missense variant.
Genome position (GRCh38, 1-based): chr10:71,821,983, C>T on the plus strand (G>A on the coding strand, the complement: PSAP is on the minus strand). VCF-style: chr10-71821983-C-T. GRCh37 (hg19) VCF-style: chr10-73581740-C-T.
Other names: c.811G>A, p.Val271Ile (NM_001042465.3); c.808G>A, p.Val270Ile (NM_001042466.3); c.802G>A (NM_002778.2); short protein forms V270I, V268I, V271I.
Identifiers: ClinVar variation 2163222 (VCV002163222.2), dbSNP rs774017744, ClinGen allele CA5547597.